The following is an entry in ClinVar:

ClinVar aggregate classification (germline): Uncertain significance (1 of 4 stars; one submission).

Allele frequency attached by ClinVar (database versions not stated): gnomAD 0.00001; TOPMed 0.00002.
gnomAD v4.1: 3 of 1,613,784 alleles (0.00019%); highest among the groups gnomAD compares: Admixed American, 0.0033%; no homozygotes.

Submission:

Labcorp Genetics (formerly Invitae), Labcorp
Classification: Uncertain significance. Last evaluated: 2021-08-15. Review status: criteria provided, single submitter. Criteria: Invitae Variant Classification Sherloc (09022015). Collection method: clinical testing. Allele origin: germline.
Comment: This sequence change replaces glutamic acid with lysine at codon 194 of the LRP2 protein (p.Glu194Lys). The glutamic acid residue is moderately conserved and there is a small physicochemical difference between glutamic acid and lysine. This variant is present in population databases (rs765476425, ExAC 0.01%). This variant has not been reported in the literature in individuals affected with LRP2-related conditions. Advanced modeling of protein sequence and biophysical properties (such as structural, functional, and spatial information, amino acid conservation, physicochemical variation, residue mobility, and thermodynamic stability) performed at Invitae indicates that this missense variant is not expected to disrupt LRP2 protein function. In summary, the available evidence is currently insufficient to determine the role of this variant in disease. Therefore, it has been classified as a Variant of Uncertain Significance.

NM_004525.3(LRP2):c.580G>A (p.Glu194Lys)

Gene: LRP2 (LDL receptor related protein 2; minus strand). Cytogenetic location: 2q31.1.
Variant type: single nucleotide variant.
Coding change: c.580G>A on transcript NM_004525.3 (MANE Select); coding-DNA position 580, G replaced by A.
Protein change: p.Glu194Lys; replaces glutamic acid 194 with lysine.
Molecular consequence: missense variant.
Genome position (GRCh38, 1-based): chr2:169,294,220, C>T on the plus strand (G>A on the coding strand, the complement: LRP2 is on the minus strand). VCF-style: chr2-169294220-C-T. GRCh37 (hg19) VCF-style: chr2-170150730-C-T.
Other names: short protein forms E194K.
Identifiers: ClinVar variation 1365844 (VCV001365844.3), dbSNP rs765476425, ClinGen allele CA1955820.